The following is an entry in ClinVar:

ClinVar aggregate classification (germline): Uncertain significance (1 of 4 stars; one submission).

gnomAD v4.1: 9 of 1,561,952 alleles (0.00058%); highest among the groups gnomAD compares: African/African-American, 0.0027%; no homozygotes.

Submission:

Ambry Genetics
Classification: Uncertain significance. Last evaluated: 2025-06-01. Review status: criteria provided, single submitter. Criteria: Ambry Variant Classification Scheme 2023. Collection method: clinical testing. Allele origin: germline.
Comment: The p.Y105C variant (also known as c.314A>G), located in coding exon 3 of the RASA2 gene, results from an A to G substitution at nucleotide position 314. The tyrosine at codon 105 is replaced by cysteine, an amino acid with highly dissimilar properties. This amino acid position is conserved. In addition, this alteration is predicted to be deleterious by in silico analysis. Based on the available evidence, the clinical significance of this variant remains unclear.

NM_006506.5(RASA2):c.314A>G (p.Tyr105Cys)

Gene: RASA2 (RAS p21 protein activator 2; plus strand). Cytogenetic location: 3q23.
Variant type: single nucleotide variant.
Coding change: c.314A>G on transcript NM_006506.5 (MANE Select); coding-DNA position 314, A replaced by G.
Protein change: p.Tyr105Cys; replaces tyrosine 105 with cysteine.
Molecular consequence: missense variant.
Genome position (GRCh38, 1-based): chr3:141,516,390, A>G. VCF-style: chr3-141516390-A-G. GRCh37 (hg19) VCF-style: chr3-141235232-A-G.
Other names: c.314A>G, p.Tyr105Cys (NM_001303245.3, NM_001303246.3); short protein forms Y105C.
Identifiers: ClinVar variation 3943011 (VCV003943011.1).